The following is an entry in ClinVar:

ClinVar aggregate classification (germline): Uncertain significance (1 of 4 stars; one submission).

Conditions:
Cryopyrin associated periodic syndrome (CAPS). Identifiers: Orphanet 208650, MedGen C2316212, MONDO:0016168.

Submission:

Labcorp Genetics (formerly Invitae), Labcorp
Classification: Uncertain significance for Cryopyrin associated periodic syndrome. Last evaluated: 2022-10-21. Review status: criteria provided, single submitter. Criteria: Invitae Variant Classification Sherloc (09022015). Collection method: clinical testing. Allele origin: germline.
Comment: In summary, the available evidence is currently insufficient to determine the role of this variant in disease. Therefore, it has been classified as a Variant of Uncertain Significance. Advanced modeling of protein sequence and biophysical properties (such as structural, functional, and spatial information, amino acid conservation, physicochemical variation, residue mobility, and thermodynamic stability) has been performed at Invitae for this missense variant, however the output from this modeling did not meet the statistical confidence thresholds required to predict the impact of this variant on NLRP3 protein function. This variant has not been reported in the literature in individuals affected with NLRP3-related conditions. This variant is not present in population databases (gnomAD no frequency). This sequence change replaces glycine, which is neutral and non-polar, with arginine, which is basic and polar, at codon 316 of the NLRP3 protein (p.Gly316Arg).

NM_001243133.2(NLRP3):c.940G>A (p.Gly314Arg)

Gene: NLRP3 (NLR family pyrin domain containing 3; plus strand). Cytogenetic location: 1q44.
Variant type: single nucleotide variant.
Coding change: c.940G>A on transcript NM_001243133.2 (MANE Select); coding-DNA position 940, G replaced by A.
Protein change: p.Gly314Arg; replaces glycine 314 with arginine.
Molecular consequence: missense variant.
Genome position (GRCh38, 1-based): chr1:247,424,389, G>A. VCF-style: chr1-247424389-G-A. GRCh37 (hg19) VCF-style: chr1-247587691-G-A.
Other names: c.940G>A, p.Gly314Arg (NM_001079821.3, NM_001127461.3, NM_001127462.3 and 1 more transcripts); c.946G>A, p.Gly316Arg (NM_004895.5); short protein forms G314R, G316R.
Identifiers: ClinVar variation 1722013 (VCV001722013.5), dbSNP rs2527263092, ClinGen allele CA345555756.